The following continues an entry in ClinVar:

NM_000301.5(PLG):c.112A>G (p.Lys38Glu)

Gene: PLG. ClinVar aggregate classification (germline): Pathogenic/Likely pathogenic. Pathogenic (15); Likely pathogenic (6).

Submissions 15 to 27 of 27:

AiLife Diagnostics
Classification: Likely pathogenic. Last evaluated: 2022-03-30. Review status: criteria provided, single submitter. Criteria: ACMG Guidelines, 2015. Collection method: clinical testing. Allele origin: germline. Affected: yes. Observed: 3 variant alleles.

GeneDx
Classification: Pathogenic. Last evaluated: 2022-03-24. Review status: criteria provided, single submitter. Criteria: GeneDx Variant Classification Process June 2021. Collection method: clinical testing. Allele origin: germline. Affected: yes.
Comment: In silico analysis, which includes protein predictors and evolutionary conservation, supports that this variant does not alter protein structure/function; Also known as K19E using alternate nomenclature; This variant is associated with the following publications: (PMID: 22995991, 27976734, 28876531, 20981092, 10233898, 30487145, 12850227, 26340456, 12945885, 23629776, 15269832, 16849641, 31980526, 31589614, 12876630, 34426522)

NIHR Bioresource Rare Diseases, University of Cambridge
Classification: Likely pathogenic for Plasminogen deficiency, type I. Last evaluated: 2019-02-01. Review status: criteria provided, single submitter. Criteria: ACMG Guidelines, 2015. Collection method: research. Allele origin: unknown. Affected: yes. Observed: 3 compound heterozygotes, 1 homozygote. Study: ThromboGenomics.

Fulgent Genetics
Classification: Pathogenic for Plasminogen deficiency, type I. Last evaluated: 2018-10-31. Review status: criteria provided, single submitter. Criteria: ACMG Guidelines, 2015. Collection method: clinical testing. Allele origin: unknown.

Eurofins Ntd Llc (ga)
Classification: Pathogenic. Last evaluated: 2018-09-06. Review status: criteria provided, single submitter. Criteria: EGL ClinVar v180209 classification definitions. Collection method: clinical testing. Allele origin: germline. Observed: 7 variant alleles, 6 heterozygotes.

Knight Diagnostic Laboratories, Oregon Health and Sciences University
Classification: Pathogenic for Plasminogen deficiency, type I. Last evaluated: 2016-01-27. Review status: criteria provided, single submitter. Criteria: ACMG Guidelines, 2015. Collection method: clinical testing. Allele origin: germline. Affected: no. Study: CSER-NextGen.
Comment: The c.112A>G (p.Lys38Glu) missense variant in the PLG gene has been previously reported in numerous affected individuals with autosomal recessive Plasminogen Deficiency and has been shown to segregate with disease in affected family members (Schuster et al., 1999; Schuster et al., 2001). This variant has been observed in affected individuals in trans with multiple variants (Cys122Ter, Arg134Lys, Arg513His, Arg216His, and Leu128Pro) (Schuster et al., 1999; Schuster et al., 2001). Functional studies have shown this variant causes decreased serum plasminogen activity and decreased plasminogen antigen levels (Schuster et al., 1999; Schuster et al., 2001; Tefs et al., 2006). Case-control studies have found this variant to be significantly more prevalent in affected individuals relative to controls (Tefs et al., 2006). This c.112A>G has been reported in the three population databases at a frequency lower than the prevalence of the disease (Exome Sequencing Project [ESP] = 0.616%, 1000 Genomes = 1%, and ExAC = 0.496%). The PLG gene is the only gene in which mutations are known to cause Plasminogen Deficiency. Therefore, this collective evidence supports the classification of the c.112A>G (p.Lys38Glu) as a recessive Pathogenic variant for Plasminogen Deficiency.

Clinical Genetics Service, Universitary Hospital 12 de Octubre
Classification: Pathogenic for Plasminogen deficiency, type I. Review status: criteria provided, single submitter. Criteria: ACMG Guidelines, 2015. Collection method: clinical testing. Allele origin: germline. Affected: yes.

Reproductive Health Research and Development, BGI Genomics
Classification: Pathogenic for Plasminogen deficiency, type I. Last evaluated: 2020-01-06. Review status: no assertion criteria provided. Collection method: curation. Allele origin: germline. Not counted in ClinVar's aggregate classification.
Comment: NM_000301.3:c.112A>G in the PLG gene has an allele frequency of 0.005 in European (non-Finnish) subpopulation in the gnomAD database. This variant has been observed in affected individuals in trans with multiple variants (Cys122Ter, Arg134Lys, Arg513His, Arg216His, and Leu128Pro) (PMID: 10233898; 12850227). Functional studies have shown this variant causes decreased serum plasminogen activity and decreased plasminogen antigen levels (PMID: 16849641). Case-control studies have found this variant to be significantly more prevalent in affected individuals relative to controls (PMID: 16849641). Taken together, we interprete this variant as Pathogenic/Likely pathogenic. ACMG/AMP Criteria applied: PM3_VeryStrong; PS3; PS4; PP4.

OMIM
Classification: Pathogenic for PLASMINOGEN DEFICIENCY, TYPE I. Last evaluated: 2006-11-01. Review status: no assertion criteria provided. Collection method: literature only. Allele origin: germline. Not counted in ClinVar's aggregate classification.

Department of Pathology and Laboratory Medicine, Sinai Health System
Classification: Likely pathogenic. Review status: no assertion criteria provided. Collection method: clinical testing. Allele origin: unknown. Affected: yes. Study: The Canadian Open Genetics Repository (COGR). Not counted in ClinVar's aggregate classification.
Comment: The PLG p.Lys38Glu variant was found in 13 families in Scotland who were identified to have type I plasminogen deficiency (hypoplasminogenaemia) upon donating blood; the variant was reported to be the most common cause of hypoplasminogenaemia in Scotland, with a prevalence of 0.14% (Tefs_2003_PMID:12945885). Three unrelated patients with ligneous conjunctivitis were found to be compound heterozygous for the p.K38E variant; The two patients presenting in infancy both inherited the p.K38E variant from their unaffected fathers. Plasminogen antigen and activity levels were tested in these patients as well as their families; all three compound heterozygous patients with the p.K38E variant had little to no plasminogen antigen or activity, and the two p.K38E heterozygous carriers had decreased activity compared to wildtype (Schuster_1999_PMID:10233898). The variant was identified in dbSNP (ID: rs73015965), ClinVar (classified as pathogenic by Fulgent Genetics, EGL Genetics and Knight Diagnostic Laboratories, Oregon Health and Sciences University and as likely pathogenic by NIHR Bioresource Rare Diseases, University of Cambridge) and LOVD 3.0 (classified as a VUS and pathogenic). The variant was identified in control databases in 817 of 282530 chromosomes (4 homozygous) at a frequency of 0.002892 increasing the likelihood this could be a low frequency benign variant (Genome Aggregation Database March 6, 2019, v2.1.1). The variant was observed in the following populations: European (non-Finnish) in 645 of 128850 chromosomes (freq: 0.005006), Other in 24 of 7220 chromosomes (freq: 0.003324), Latino in 99 of 35438 chromosomes (freq: 0.002794), African in 34 of 24962 chromosomes (freq: 0.001362), European (Finnish) in 13 of 25122 chromosomes (freq: 0.000518) and South Asian in 2 of 30616 chromosomes (freq: 0.000065), but was not observed in the Ashkenazi Jewish or East Asian populations. The p.Lys38 residue is not conserved in mammals and computational analyses (PolyPhen-2, SIFT, AlignGVGD, BLOSUM, MutationTaster) provide inconsistent predictions regarding the impact to the protein; this information is not very predictive of pathogenicity. The variant occurs outside of the splicing consensus sequence and in silico or computational prediction software programs (SpliceSiteFinder, MaxEntScan, NNSPLICE, GeneSplicer) do not predict a difference in splicing. One study identified 6 type I plasminogen deficiency patients with homozygous K38E mutations that had a milder clinical course and higher residual plasminogen antigen and activity levels than patients with other plasminogen mutations; a homozygous K38E mutation (and similarly decreased PLG values) was also found in one patient's healthy brother, suggesting incomplete penetrance (Tefs_2006_PMID:16849641). Functional in vitro data determined that secretion of mutant K38E protein from transfected cells was not significantly reduced (Tefs_2006_PMID:16849641). In summary, this variant is considered a hypomorphic allele and in combination with other variants in cis or trans, may result in reduced enzyme activity. Based on the above information this variant meets our laboratoryâ€šÃ„Ã´s criteria to be classified as likely pathogenic.

Santos-Cortez Lab, University of Colorado School of Medicine
Classification: Benign for Otitis media, susceptibility to. Last evaluated: 2019-07-26. Review status: flagged submission. Collection method: research. Allele origin: germline. Affected: yes. Not counted in ClinVar's aggregate classification.
ClinVar note: Reason: Outlier claim with insufficient supporting evidence

ISTH-SSC Genomics in Thrombosis and Hemostasis, KU Leuven, Center for Molecular and Vascular Biology
Classification: Uncertain significance for Deep venous thrombosis. Review status: flagged submission. Criteria: ACMG Guidelines, 2015. Collection method: clinical testing. Allele origin: unknown. Affected: yes. Not counted in ClinVar's aggregate classification.
Comment: Submitted to GoldVariant by Kathleen Freson, Center for Molecular and Vascular Biology, Leuven, Belgium
ClinVar note: Reason: Outlier claim with insufficient supporting evidence

ISTH-SSC Genomics in Thrombosis and Hemostasis, KU Leuven, Center for Molecular and Vascular Biology
Classification: Uncertain significance for Plasminogen deficiency, type I. Review status: flagged submission. Criteria: ACMG Guidelines, 2015. Collection method: clinical testing. Allele origin: germline. Affected: yes. Observed: 1 heterozygote. Not counted in ClinVar's aggregate classification.
Comment: Submitted to the GoldVariant database by Kathleen Freson, Center for Molecular and Vascular Biology
ClinVar note: Reason: Outlier claim with insufficient supporting evidence

Literature cited by the submitters: PubMed 10233898 (cited by 8 submitters); PubMed 16849641 (cited by 7 submitters); PubMed 15269832 (cited by Labcorp Genetics (formerly Invitae), Labcorp and AiLife Diagnostics); PubMed 23629776 (cited by Labcorp Genetics (formerly Invitae), Labcorp and AiLife Diagnostics); PubMed 26340456 (cited by Labcorp Genetics (formerly Invitae), Labcorp and Mayo Clinic Laboratories, Mayo Clinic); PubMed 27976734 (cited by 4 submitters); PubMed 33114181 (cited by Victorian Clinical Genetics Services, Murdoch Childrens Research Institute); PubMed 12850227 (cited by Variantyx, Inc. and OMIM); PubMed 28795768 (cited by Center for Genomic Medicine, Rigshospitalet, Copenhagen University Hospital); PubMed 12945885 (cited by Mayo Clinic Laboratories, Mayo Clinic); PubMed 21174000 (cited by Mayo Clinic Laboratories, Mayo Clinic); PubMed 24029428 (cited by Mayo Clinic Laboratories, Mayo Clinic); PubMed 27629020 (cited by Mayo Clinic Laboratories, Mayo Clinic); PubMed 28876531 (cited by Mayo Clinic Laboratories, Mayo Clinic); PubMed 29321155 (cited by Mayo Clinic Laboratories, Mayo Clinic); PubMed 31469483 (cited by Mayo Clinic Laboratories, Mayo Clinic); PubMed 32001536 (cited by Mayo Clinic Laboratories, Mayo Clinic); PubMed 32369847 (cited by Mayo Clinic Laboratories, Mayo Clinic); PubMed 35337356 (cited by Mayo Clinic Laboratories, Mayo Clinic); PubMed 20981092 (cited by AiLife Diagnostics); PubMed 22995991 (cited by AiLife Diagnostics); PubMed 31589614 (cited by AiLife Diagnostics); PubMed 31980526 (cited by AiLife Diagnostics); PubMed 30487145 (cited by AiLife Diagnostics); PubMed 12876630 (cited by AiLife Diagnostics); PubMed 31064749 (cited by NIHR Bioresource Rare Diseases, University of Cambridge); PubMed 34355501 (cited by ISTH-SSC Genomics in Thrombosis and Hemostasis, KU Leuven, Center for Molecular and Vascular Biology).